The following is an entry in ClinVar:

ClinVar aggregate classification (germline): Uncertain significance. Review status: criteria provided, multiple submitters, no conflicts (2 of 4 stars). 3 submissions from 3 submitters: Uncertain significance (3). Last evaluated 2025-05-07.

Conditions:
Immunodeficiency 45 (IMD45). Identifiers: MedGen C4225252, MONDO:0014727, OMIM 616669.

Allele frequency attached by ClinVar (database versions not stated): gnomAD 0.00001; gnomAD exomes 0.00001 and 0.00003; TOPMed 0.00001; ExAC 0.00002.

Submissions (3):

Ambry Genetics
Classification: Uncertain significance. Last evaluated: 2025-05-07. Review status: criteria provided, single submitter. Criteria: Ambry Variant Classification Scheme 2023. Collection method: clinical testing. Allele origin: germline.

Labcorp Genetics (formerly Invitae), Labcorp
Classification: Uncertain significance. Last evaluated: 2024-10-07. Review status: criteria provided, single submitter. Criteria: Invitae Variant Classification Sherloc (09022015). Collection method: clinical testing. Allele origin: germline.
Comment: This sequence change replaces glutamic acid, which is acidic and polar, with glycine, which is neutral and non-polar, at codon 356 of the IFNAR2 protein (p.Glu356Gly). This variant is present in population databases (rs746319376, gnomAD 0.05%). This variant has not been reported in the literature in individuals affected with IFNAR2-related conditions. ClinVar contains an entry for this variant (Variation ID: 1004056). An algorithm developed to predict the effect of missense changes on protein structure and function outputs the following: PolyPhen-2: "Probably Damaging". The glycine amino acid residue is found in multiple mammalian species, which suggests that this missense change does not adversely affect protein function. In summary, the available evidence is currently insufficient to determine the role of this variant in disease. Therefore, it has been classified as a Variant of Uncertain Significance.

New York Genome Center
Classification: Uncertain significance for Immunodeficiency 45. Last evaluated: 2021-09-17. Review status: criteria provided, single submitter. Criteria: NYGC Assertion Criteria 2020. Collection method: clinical testing. Allele origin: inherited. Observed: 1 heterozygote. Study: CSER-NYCKidSeq.

NM_001289125.3(IFNAR2):c.1067A>G (p.Glu356Gly)

Genes: IFNAR2 (interferon alpha and beta receptor subunit 2; plus strand), IFNAR2-IL10RB (IFNAR2-IL10RB readthrough; plus strand). Cytogenetic location: 21q22.11.
Variant type: single nucleotide variant.
Coding change: c.1067A>G on transcript NM_001289125.3 (MANE Select); coding-DNA position 1067, A replaced by G.
Protein change: p.Glu356Gly; replaces glutamic acid 356 with glycine.
Molecular consequence: missense variant. On other transcripts: 3 prime UTR variant (5).
Genome position (GRCh38, 1-based): chr21:33,263,019, A>G. VCF-style: chr21-33263019-A-G. GRCh37 (hg19) VCF-style: chr21-34635324-A-G.
Other names: c.*303A>G (NM_000874.5, NM_207584.3); c.*216A>G (NM_001289126.2, NM_001289128.2); c.*442A>G (NM_001385054.1); c.1067A>G, p.Glu356Gly (NM_001385055.1, NM_207585.3); c.1067A>G (NM_207585.1); short protein forms E356G.
Identifiers: ClinVar variation 1004056 (VCV001004056.9), dbSNP rs746319376, ClinGen allele CA10005904.